The following is an entry in ClinVar:

ClinVar aggregate classification (germline): Conflicting classifications of pathogenicity. Review status: criteria provided, conflicting classifications (1 of 4 stars). 4 submissions from 4 submitters: Uncertain significance (2); Likely benign (1). 1 of the submissions does not count toward it. Last evaluated 2025-11-03.

Conditions:
Primary ciliary dyskinesia. Also called: Ciliary dyskinesia. Identifiers: Orphanet 244, MedGen C0008780, MONDO:0016575, HP:0012265.
Primary ciliary dyskinesia 3. Identifiers: Orphanet 244, MedGen C1837618, MONDO:0012085, OMIM 608644.

Allele frequency attached by ClinVar (database versions not stated): gnomAD 0.00001; ExAC 0.00002; gnomAD exomes 0.00002 and 0.00003; TOPMed 0.00003.
gnomAD v4.1: 30 of 1,613,740 alleles (0.0019%); highest among the groups gnomAD compares: Non-Finnish European, 0.0023%; no homozygotes.

Submissions (4):

Labcorp Genetics (formerly Invitae), Labcorp
Classification: Likely benign for Primary ciliary dyskinesia. Last evaluated: 2025-11-03. Review status: criteria provided, single submitter. Criteria: Invitae Variant Classification Sherloc (09022015). Collection method: clinical testing. Allele origin: germline.

Ambry Genetics
Classification: Uncertain significance for Primary ciliary dyskinesia. Last evaluated: 2024-08-28. Review status: criteria provided, single submitter. Criteria: Ambry Variant Classification Scheme 2023. Collection method: clinical testing. Allele origin: germline.
Comment: The p.T4294A variant (also known as c.12880A>G), located in coding exon 74 of the DNAH5 gene, results from an A to G substitution at nucleotide position 12880. The threonine at codon 4294 is replaced by alanine, an amino acid with similar properties. This amino acid position is conserved. In addition, this alteration is predicted to be tolerated by in silico analysis. Since supporting evidence is limited at this time, the clinical significance of this alteration remains unclear.

Illumina Laboratory Services, Illumina
Classification: Uncertain significance for Primary ciliary dyskinesia 3. Last evaluated: 2018-01-13. Review status: criteria provided, single submitter. Criteria: ICSL Variant Classification Criteria 13 December 2019. Collection method: clinical testing. Allele origin: germline.

Natera, Inc.
Classification: Uncertain significance for Primary ciliary dyskinesia. Last evaluated: 2020-01-17. Review status: no assertion criteria provided. Collection method: clinical testing. Allele origin: germline. Not counted in ClinVar's aggregate classification.

NM_001369.3(DNAH5):c.12880A>G (p.Thr4294Ala)

Gene: DNAH5 (dynein axonemal heavy chain 5; minus strand). Cytogenetic location: 5p15.2.
Variant type: single nucleotide variant.
Coding change: c.12880A>G on transcript NM_001369.3 (MANE Select); coding-DNA position 12880, A replaced by G.
Protein change: p.Thr4294Ala; replaces threonine 4294 with alanine.
Molecular consequence: missense variant.
Genome position (GRCh38, 1-based): chr5:13,716,516, T>C on the plus strand (A>G on the coding strand, the complement: DNAH5 is on the minus strand). VCF-style: chr5-13716516-T-C. GRCh37 (hg19) VCF-style: chr5-13716625-T-C.
Other names: short protein forms T4294A.
Identifiers: ClinVar variation 640048 (VCV000640048.14), dbSNP rs765649176, ClinGen allele CA3201513.